The following is an entry in ClinVar:

ClinVar aggregate classification (germline): Benign/Likely benign. Review status: criteria provided, multiple submitters, no conflicts (2 of 4 stars). 3 submissions from 3 submitters: Benign (1); Likely benign (2). Last evaluated 2026-02-01.

Conditions:
Tall stature-scoliosis-macrodactyly of the great toes syndrome. Also called: Epiphyseal chondrodysplasia, miura type. Identifiers: Orphanet 329191, MedGen C4014690, MONDO:0014401, OMIM 615923.
Acromesomelic dysplasia 1, Maroteaux type (AMD1). Also called: ST. HELENA DYSPLASIA; ACROMESOMELIC DYSPLASIA 1. Identifiers: Orphanet 40, MedGen C1864356, MONDO:0011275, OMIM 602875.

Allele frequency attached by ClinVar (database versions not stated): 1000 Genomes Project 30x 0.00094; ESP Exome Variant Server 0.00392; ExAC 0.00417; 1000 Genomes Project 0.00100; TOPMed 0.00291; gnomAD 0.00366 and 0.00377.
gnomAD v4.1: 7,245 of 1,610,056 alleles (0.45%); highest among the groups gnomAD compares: Non-Finnish European, 0.52%; 19 homozygotes.

Submissions (3):

Labcorp Genetics (formerly Invitae), Labcorp
Classification: Benign for Tall stature-scoliosis-macrodactyly of the great toes syndrome; Acromesomelic dysplasia 1, Maroteaux type. Last evaluated: 2026-02-01. Review status: criteria provided, single submitter. Criteria: Invitae Variant Classification Sherloc (09022015). Collection method: clinical testing. Allele origin: germline.

Blueprint Genetics
Classification: Likely benign. Last evaluated: 2024-11-27. Review status: criteria provided, single submitter. Criteria: ACMG Guidelines, 2015. Collection method: clinical testing. Allele origin: germline.

Illumina Laboratory Services, Illumina
Classification: Likely benign for Acromesomelic dysplasia 1, Maroteaux type. Last evaluated: 2018-01-12. Review status: criteria provided, single submitter. Criteria: ICSL Variant Classification Criteria 13 December 2019. Collection method: clinical testing. Allele origin: germline.
Comment: This variant was observed in the ICSL laboratory as part of a predisposition screen in an ostensibly healthy population. It had not been previously curated by ICSL or reported in the Human Gene Mutation Database (HGMD: prior to June 1st, 2018), and was therefore a candidate for classification through an automated scoring system. Utilizing variant allele frequency, disease prevalence and penetrance estimates, and inheritance mode, an automated score was calculated to assess if this variant is too frequent to cause the disease. Based on the score and internal cut-off values, a variant classified as likely benign is not then subjected to further curation. The score for this variant resulted in a classification of likely benign for this disease.

NM_003995.4(NPR2):c.873+13C>A

Gene: NPR2 (natriuretic peptide receptor 2; plus strand). Cytogenetic location: 9p13.3.
Variant type: single nucleotide variant.
Coding change: c.873+13C>A on transcript NM_003995.4 (MANE Select); 13 bases into the intron after coding-DNA position 873, C replaced by A.
Molecular consequence: intron variant.
Genome position (GRCh38, 1-based): chr9:35,794,116, C>A. VCF-style: chr9-35794116-C-A. GRCh37 (hg19) VCF-style: chr9-35794113-C-A.
Other names: c.873+13C>A (NM_001378923.1).
Identifiers: ClinVar variation 366783 (VCV000366783.13), dbSNP rs61758520, ClinGen allele CA5051537.